The following is an entry in ClinVar:

ClinVar aggregate classification (germline): Uncertain significance. Review status: criteria provided, multiple submitters, no conflicts (2 of 4 stars). 2 submissions from 2 submitters: Uncertain significance (2). Last evaluated 2025-09-15.

Conditions:
SIM1-related disorder. Also called: SIM1-related disorders; SIM1-related condition.

gnomAD v4.1: 12 of 1,614,168 alleles (0.00074%); highest among the groups gnomAD compares: East Asian, 0.0089%; no homozygotes.

Submissions (2):

PreventionGenetics, part of Exact Sciences
Classification: Uncertain significance for SIM1-related condition. Last evaluated: 2025-09-15. Review status: criteria provided, single submitter. Criteria: ACMG Guidelines, 2015. Collection method: clinical testing. Allele origin: germline.
Comment: The SIM1 c.2063C>T variant is predicted to result in the amino acid substitution p.Ala688Val. To our knowledge, this variant has not been reported in the literature. This variant is reported in 0.011% of alleles in individuals of East Asian descent in gnomAD. Although we suspect that this variant may be benign, at this time, the clinical significance of this variant is uncertain due to the absence of conclusive functional and genetic evidence.

Labcorp Genetics (formerly Invitae), Labcorp
Classification: Uncertain significance. Last evaluated: 2025-03-17. Review status: criteria provided, single submitter. Criteria: Invitae Variant Classification Sherloc (09022015). Collection method: clinical testing. Allele origin: germline.
Comment: This sequence change replaces alanine, which is neutral and non-polar, with valine, which is neutral and non-polar, at codon 688 of the SIM1 protein (p.Ala688Val). This variant is present in population databases (rs562134981, gnomAD 0.003%). This variant has not been reported in the literature in individuals affected with SIM1-related conditions. An algorithm developed to predict the effect of missense changes on protein structure and function outputs the following: PolyPhen-2: "Benign". The valine amino acid residue is found in multiple mammalian species, which suggests that this missense change does not adversely affect protein function. In summary, the available evidence is currently insufficient to determine the role of this variant in disease. Therefore, it has been classified as a Variant of Uncertain Significance.

NM_005068.3(SIM1):c.2063C>T (p.Ala688Val)

Gene: SIM1 (SIM bHLH transcription factor 1; minus strand). Cytogenetic location: 6q16.3.
Variant type: single nucleotide variant.
Coding change: c.2063C>T on transcript NM_005068.3 (MANE Select); coding-DNA position 2063, C replaced by T.
Protein change: p.Ala688Val; replaces alanine 688 with valine.
Molecular consequence: missense variant.
Genome position (GRCh38, 1-based): chr6:100,390,599, G>A on the plus strand (C>T on the coding strand, the complement: SIM1 is on the minus strand). VCF-style: chr6-100390599-G-A. GRCh37 (hg19) VCF-style: chr6-100838475-G-A.
Other names: c.2063C>T (NM_005068.2); c.2063C>T, p.Ala688Val (NM_001374769.1); short protein forms A688V.
Identifiers: ClinVar variation 3716933 (VCV003716933.3).
Genomic context (GRCh38, chr6:100,390,599, plus strand): 5'-TTGTCAAAATACTGCCGGTGAGAGCCAAAGCAGTTTGGAGAGACAGTAGGGTGGTCTCCT[G>A]CTGTCTGATGAGGAGATATATCCGAATGCAGATAGTCTTTAGCTAGGATCAAACTGGATT-3'
Protein context (NP_005059.2, residues 678-698): LHSDISPHQT[Ala688Val]GDHPTVSPNC